The following is an entry in ClinVar:

ClinVar aggregate classification (germline): Uncertain significance (1 of 4 stars; one submission).

Submission:

GeneDx
Classification: Uncertain significance. Last evaluated: 2024-08-24. Review status: criteria provided, single submitter. Criteria: GeneDx Variant Classification Process June 2021. Collection method: clinical testing. Allele origin: germline. Affected: yes.
Comment: Not observed at significant frequency in large population cohorts (gnomAD); In-frame deletion of 3 amino acids in a non-repeat region; In silico analysis indicates that this variant does not alter protein structure/function; Has not been previously published as pathogenic or benign to our knowledge

NM_198525.3(KIF7):c.1869AGAGGAGGA[1] (p.Glu629_Glu631del)

Gene: KIF7 (kinesin family member 7; minus strand). Cytogenetic location: 15q26.1.
Variant type: Microsatellite.
Coding change: c.1869AGAGGAGGA[1] on transcript NM_198525.3 (MANE Select); one copy of the 9-base unit AGAGGAGGA starting at c.1869; the reference has two copies in a row; one copy, 9 bases deleted.
Protein change: p.Glu629_Glu631del.
Genome position (GRCh38, 1-based): chr15:89,645,929-89,645,937, TCCTCCTCT deleted on the plus strand (AGAGGAGGA on the coding strand, the reverse complement: KIF7 is on the minus strand); deleting any 9 consecutive bases within chr15:89,645,929-89,645,946 gives the same sequence; the position shown is the placement nearest the transcript's 3' end. VCF-style (leftmost placement, unchanged base first): chr15-89645928-CTCCTCCTCT-C. GRCh37 (hg19) VCF-style: chr15-90189159-CTCCTCCTCT-C.
Identifiers: ClinVar variation 3766280 (VCV003766280.1).
Genomic context (GRCh38, chr15:89,645,928, plus strand): 5'-GGTGGGGGCAGTGGGTCCCACTCACCTGCGCAGGTGTAAGGTCCGCCTGGGCGGCTCCTC[CTCCTCCTCT>C]TCCTCCTCTGAAGCAGCTGAAGAGCCACTTCCCAGCCTGTTCACCTCAGTCAGCAACTCA-3'